The following is an entry in ClinVar:

NM_002291.3(LAMB1):c.2951C>T (p.Thr984Met)

Gene: LAMB1 (laminin subunit beta 1; minus strand). Cytogenetic location: 7q31.1.
Variant type: single nucleotide variant.
Coding change: c.2951C>T on transcript NM_002291.3 (MANE Select); coding-DNA position 2951, C replaced by T.
Protein change: p.Thr984Met; replaces threonine 984 with methionine.
Molecular consequence: missense variant.
Genome position (GRCh38, 1-based): chr7:107,953,658, G>A on the plus strand (C>T on the coding strand, the complement: LAMB1 is on the minus strand). VCF-style: chr7-107953658-G-A. GRCh37 (hg19) VCF-style: chr7-107594103-G-A.
Other names: c.2951C>T (NM_002291.2); short protein forms T984M.
Identifiers: ClinVar variation 872816 (VCV000872816.51), dbSNP rs373568948, ClinGen allele CA4435469.

ClinVar aggregate classification (germline): Conflicting classifications of pathogenicity. Review status: criteria provided, conflicting classifications (1 of 4 stars). 5 submissions from 5 submitters: Uncertain significance (4); Likely benign (1). Last evaluated 2025-05-21.

Conditions:
Inborn genetic diseases. Identifiers: MedGen C0950123, MeSH D030342.

Allele frequency attached by ClinVar (database versions not stated): ESP Exome Variant Server 0.00023; TOPMed 0.00030; 1000 Genomes Project 30x 0.00031; 1000 Genomes Project 0.00040.
gnomAD v4.1: 93 of 1,614,126 alleles (0.0058%); highest among the groups gnomAD compares: African/African-American, 0.077%; no homozygotes.

Submissions (5):

Ambry Genetics
Classification: Uncertain significance for Inborn genetic diseases. Last evaluated: 2025-05-21. Review status: criteria provided, single submitter. Criteria: Ambry Variant Classification Scheme 2023. Collection method: clinical testing. Allele origin: germline.

Blueprint Genetics
Classification: Likely benign. Last evaluated: 2024-07-18. Review status: criteria provided, single submitter. Criteria: ACMG Guidelines, 2015. Collection method: clinical testing. Allele origin: germline.

Labcorp Genetics (formerly Invitae), Labcorp
Classification: Uncertain significance. Last evaluated: 2024-02-24. Review status: criteria provided, single submitter. Criteria: Invitae Variant Classification Sherloc (09022015). Collection method: clinical testing. Allele origin: germline.
Comment: This sequence change replaces threonine, which is neutral and polar, with methionine, which is neutral and non-polar, at codon 984 of the LAMB1 protein (p.Thr984Met). This variant is present in population databases (rs373568948, gnomAD 0.09%). This variant has not been reported in the literature in individuals affected with LAMB1-related conditions. ClinVar contains an entry for this variant (Variation ID: 872816). Algorithms developed to predict the effect of missense changes on protein structure and function output the following: SIFT: "Not Available"; PolyPhen-2: "Benign"; Align-GVGD: "Not Available". The methionine amino acid residue is found in multiple mammalian species, which suggests that this missense change does not adversely affect protein function. In summary, the available evidence is currently insufficient to determine the role of this variant in disease. Therefore, it has been classified as a Variant of Uncertain Significance.

GeneDx
Classification: Uncertain significance. Last evaluated: 2023-06-02. Review status: criteria provided, single submitter. Criteria: GeneDx Variant Classification Process June 2021. Collection method: clinical testing. Allele origin: germline. Affected: yes.
Comment: In silico analysis supports that this missense variant does not alter protein structure/function; Has not been previously published as pathogenic or benign to our knowledge; This variant is associated with the following publications: (PMID: 23472759)

CeGaT Center for Human Genetics Tuebingen
Classification: Uncertain significance. Last evaluated: 2020-01-01. Review status: criteria provided, single submitter. Criteria: CeGaT Center For Human Genetics Tuebingen Variant Classification Criteria Version 2. Collection method: clinical testing. Allele origin: germline. Affected: yes. Observed: 1 variant allele.